The following is an entry in ClinVar:

ClinVar aggregate classification (germline): Uncertain significance (1 of 4 stars; one submission).

Conditions:
MHC class II deficiency. Also called: BLS, TYPE II; Bare lymphocyte syndrome 2. Identifiers: Orphanet 572, MedGen C5447452, MONDO:0008855.

Submission:

Labcorp Genetics (formerly Invitae), Labcorp
Classification: Uncertain significance for MHC class II deficiency. Last evaluated: 2023-02-06. Review status: criteria provided, single submitter. Criteria: Invitae Variant Classification Sherloc (09022015). Collection method: clinical testing. Allele origin: germline.
Comment: This sequence change replaces isoleucine, which is neutral and non-polar, with leucine, which is neutral and non-polar, at codon 419 of the RFX5 protein (p.Ile419Leu). This variant is not present in population databases (gnomAD no frequency). This variant has not been reported in the literature in individuals affected with RFX5-related conditions. ClinVar contains an entry for this variant (Variation ID: 1027227). Algorithms developed to predict the effect of missense changes on protein structure and function (SIFT, PolyPhen-2, Align-GVGD) all suggest that this variant is likely to be tolerated. In summary, the available evidence is currently insufficient to determine the role of this variant in disease. Therefore, it has been classified as a Variant of Uncertain Significance.

NM_001025603.2(RFX5):c.1255A>T (p.Ile419Leu)

Gene: RFX5 (regulatory factor X5; minus strand). Cytogenetic location: 1q21.3.
Variant type: single nucleotide variant.
Coding change: c.1255A>T on transcript NM_001025603.2 (MANE Select); coding-DNA position 1255, A replaced by T.
Protein change: p.Ile419Leu; replaces isoleucine 419 with leucine.
Molecular consequence: missense variant.
Genome position (GRCh38, 1-based): chr1:151,342,782, T>A on the plus strand (A>T on the coding strand, the complement: RFX5 is on the minus strand). VCF-style: chr1-151342782-T-A. GRCh37 (hg19) VCF-style: chr1-151315258-T-A.
Other names: c.1255A>T, p.Ile419Leu (NM_000449.4, NM_001379412.1, NM_001379413.1 and 5 more transcripts); c.1135A>T, p.Ile379Leu (NM_001379419.1, NM_001379420.1); short protein forms I379L, I419L.
Identifiers: ClinVar variation 1027227 (VCV001027227.8), dbSNP rs1650583011, ClinGen allele CA341928129.